The following is an entry in ClinVar:

NM_000302.4(PLOD1):c.1471-9_1471-8delinsGT

Gene: PLOD1 (procollagen-lysine,2-oxoglutarate 5-dioxygenase 1; plus strand). Cytogenetic location: 1p36.22.
Variant type: Indel.
Coding change: c.1471-9_1471-8delinsGT on transcript NM_000302.4 (MANE Select); 9 bases into the intron before coding-DNA position 1471 through 8 bases into the intron before coding-DNA position 1471, CC replaced by GT.
Molecular consequence: intron variant.
Genome position (GRCh38, 1-based): chr1:11,965,471-11,965,472, CC replaced by GT. VCF-style: chr1-11965471-CC-GT. GRCh37 (hg19) VCF-style: chr1-12025528-CC-GT.
Other names: c.1612-9_1612-8delinsGT (NM_001316320.2); c.1471-9_1471-8delinsGT (NM_000302.3).
Identifiers: ClinVar variation 459807 (VCV000459807.40), dbSNP rs1553136318, ClinGen allele CA658656878.

ClinVar aggregate classification (germline): Conflicting classifications of pathogenicity. Review status: criteria provided, conflicting classifications (1 of 4 stars). 4 submissions from 4 submitters: Uncertain significance (1); Likely benign (3). Last evaluated 2026-01-20.

Conditions:
Ehlers-Danlos syndrome, kyphoscoliotic type 1 (EDSKSCL1). Also called: Ehlers-Danlos syndrome, hydroxylysine-deficient; EHLERS-DANLOS SYNDROME, OCULAR-SCOLIOTIC TYPE; PLOD1-Related Kyphoscoliotic Ehlers-Danlos Syndrome; EHLERS-DANLOS SYNDROME, TYPE VIA. Identifiers: Orphanet 1900, MedGen C0268342, MONDO:0016002, OMIM 225400. Disease mechanism: loss of function.

Submissions (4):

Labcorp Genetics (formerly Invitae), Labcorp
Classification: Likely benign for Ehlers-Danlos syndrome, kyphoscoliotic type 1. Last evaluated: 2026-01-20. Review status: criteria provided, single submitter. Criteria: Invitae Variant Classification Sherloc (09022015). Collection method: clinical testing. Allele origin: germline.

Women's Health and Genetics/Laboratory Corporation of America, LabCorp
Classification: Likely benign. Last evaluated: 2025-10-03. Review status: criteria provided, single submitter. Criteria: LabCorp Variant Classification Summary - May 2015. Collection method: clinical testing. Allele origin: germline.
Comment: Variant summary: PLOD1 c.1471-9_1471-8delinsGT alters a nucleotide located at a position not widely known to affect splicing. Consensus agreement among computation tools predict no significant impact on normal splicing. However, these predictions have yet to be confirmed by functional studies. The variant allele was found at a frequency of 0.00028 in 281844 control chromosomes. This frequency is not significantly higher than estimated for disease-causing variants in PLOD1, allowing no conclusion about variant significance. To our knowledge, no occurrence of c.1471-9_1471-8delinsGT in individuals affected with PLOD1-related conditions and no experimental evidence demonstrating its impact on protein function have been reported. ClinVar contains an entry for this variant (Variation ID: 459807). Based on the evidence outlined above, the variant was classified as likely benign.

CeGaT Center for Human Genetics Tuebingen
Classification: Uncertain significance. Last evaluated: 2023-02-01. Review status: criteria provided, single submitter. Criteria: CeGaT Center For Human Genetics Tuebingen Variant Classification Criteria Version 2. Collection method: clinical testing. Allele origin: germline. Affected: yes. Observed: 1 variant allele.
Comment: PLOD1: PM2, BP4

GeneDx
Classification: Likely benign. Last evaluated: 2017-09-06. Review status: criteria provided, single submitter. Criteria: GeneDx Variant Classification (06012015). Collection method: clinical testing. Allele origin: germline. Affected: yes.
Comment: This variant is considered likely benign or benign based on one or more of the following criteria: it is a conservative change, it occurs at a poorly conserved position in the protein, it is predicted to be benign by multiple in silico algorithms, and/or has population frequency not consistent with disease.